The following is an entry in ClinVar:

ClinVar aggregate classification (germline): Uncertain significance. Review status: reviewed by expert panel (3 of 4 stars). 3 submissions from 3 submitters: Uncertain significance (1). 2 of the submissions do not count toward it. Last evaluated 2025-01-15.

Conditions:
Hereditary thrombocytopenia and hematological cancer predisposition syndrome associated with RUNX1. Also called: PLATELET DISORDER, ASPIRIN-LIKE; Familial Platelet Disorder with Propensity to Acute Myelogenous Leukemia; Familial thrombocytopenia with propensity to acute myelogenous leukemia; RUNX1 Familial Platelet Disorder with Associated Myeloid Malignancies. Identifiers: Orphanet 71290, MedGen C1832388, MeSH C563324, MONDO:0100083, OMIM 601399.
Inborn genetic diseases. Identifiers: MedGen C0950123, MeSH D030342.
Hereditary thrombocytopenia and hematologic cancer predisposition syndrome. Identifiers: Orphanet 71290, MedGen CN281654, MONDO:0011071.

Submissions (3):

ClinGen Myeloid Malignancy Variant Curation Expert Panel
Classification: Uncertain significance for Hereditary thrombocytopenia and hematologic cancer predisposition syndrome. Last evaluated: 2025-01-15. Review status: reviewed by expert panel. Criteria: ClinGen MyeloMalig ACMG Specifications v2. Collection method: curation. Allele origin: germline. Inheritance: Autosomal dominant inheritance.
Comment: NM_001754.5(RUNX1):c.848A>G (p.Gln283Arg) is a missense variant which has a REVEL score < 0.50 (0.447) and a SpliceAI score ≤ 0.20 (0.01) (BP4). This variant is completely absent from all population databases with at least 20x coverage for RUNX1 (PM2_Supporting). In summary, the clinical significance of this variant is uncertain. ACMG/AMP criteria applied, as specified by the Myeloid Malignancy Variant Curation Expert Panel for RUNX1: BP4, PM2_Supporting.

Ambry Genetics
Classification: Uncertain significance for Inborn genetic diseases. Last evaluated: 2025-03-18. Review status: criteria provided, single submitter. Criteria: Ambry Variant Classification Scheme 2023. Collection method: clinical testing. Allele origin: germline. Not counted in ClinVar's aggregate classification.
Comment: The p.Q283R variant (also known as c.848A>G), located in coding exon 7 of the RUNX1 gene, results from an A to G substitution at nucleotide position 848. The glutamine at codon 283 is replaced by arginine, an amino acid with highly similar properties. This amino acid position is conserved. In addition, the in silico prediction for this alteration is inconclusive. Based on the available evidence, the clinical significance of this variant remains unclear.

Labcorp Genetics (formerly Invitae), Labcorp
Classification: Uncertain significance for Hereditary thrombocytopenia and hematological cancer predisposition syndrome associated with RUNX1. Last evaluated: 2022-11-08. Review status: criteria provided, single submitter. Criteria: Invitae Variant Classification Sherloc (09022015). Collection method: clinical testing. Allele origin: germline. Not counted in ClinVar's aggregate classification.
Comment: Advanced modeling of protein sequence and biophysical properties (such as structural, functional, and spatial information, amino acid conservation, physicochemical variation, residue mobility, and thermodynamic stability) performed at Invitae indicates that this missense variant is not expected to disrupt RUNX1 protein function. In summary, the available evidence is currently insufficient to determine the role of this variant in disease. Therefore, it has been classified as a Variant of Uncertain Significance. ClinVar contains an entry for this variant (Variation ID: 464010). This sequence change replaces glutamine, which is neutral and polar, with arginine, which is basic and polar, at codon 283 of the RUNX1 protein (p.Gln283Arg). This variant is not present in population databases (gnomAD no frequency). This variant has not been reported in the literature in individuals affected with RUNX1-related conditions.

NM_001754.5(RUNX1):c.848A>G (p.Gln283Arg)

Gene: RUNX1 (RUNX family transcription factor 1; minus strand). Cytogenetic location: 21q22.12.
Variant type: single nucleotide variant.
Coding change: c.848A>G on transcript NM_001754.5 (MANE Select); coding-DNA position 848, A replaced by G.
Protein change: p.Gln283Arg; replaces glutamine 283 with arginine.
Molecular consequence: missense variant.
Genome position (GRCh38, 1-based): chr21:34,799,420, T>C on the plus strand (A>G on the coding strand, the complement: RUNX1 is on the minus strand). VCF-style: chr21-34799420-T-C. GRCh37 (hg19) VCF-style: chr21-36171717-T-C.
Other names: NM_001754.5(RUNX1):c.848A>G; p.Gln283Arg; c.767A>G, p.Gln256Arg (NM_001001890.3); short protein forms Q283R, Q256R.
Identifiers: ClinVar variation 464010 (VCV000464010.11), dbSNP rs1555885620, ClinGen allele CA410150174.